The following is an entry in ClinVar:

NM_080632.3(UPF3B):c.1317G>A (p.Met439Ile)

Gene: UPF3B (UPF3B regulator of nonsense mediated mRNA decay; minus strand). Cytogenetic location: Xq24.
Variant type: single nucleotide variant.
Coding change: c.1317G>A on transcript NM_080632.3 (MANE Select); coding-DNA position 1317, G replaced by A.
Protein change: p.Met439Ile; replaces methionine 439 with isoleucine.
Molecular consequence: missense variant.
Genome position (GRCh38, 1-based): chrX:119,835,013, C>T on the plus strand (G>A on the coding strand, the complement: UPF3B is on the minus strand). VCF-style: chrX-119835013-C-T. GRCh37 (hg19) VCF-style: chrX-118968976-C-T.
Other names: c.1317G>A (NM_080632.1); c.1278G>A, p.Met426Ile (NM_023010.4); short protein forms M439I, M426I.
Identifiers: ClinVar variation 3672924 (VCV003672924.3).
Genomic context (GRCh38, chrX:119,835,013, plus strand): 5'-GGTGCTGTCATCAGGGGGACAGAGTCGATTTCGGCTTCGAGCTCCTGGTTGGTAAAGCTG[C>T]ATCGCTGGACGATCCTGAAGTACAATAAAATATGTTACCATTACAACAATGCTACTAAGC-3'
Protein context (NP_542199.1, residues 429-449): DRIRNKDRPA[Met439Ile]QLYQPGARSR

ClinVar aggregate classification (germline): Uncertain significance. Review status: criteria provided, multiple submitters, no conflicts (2 of 4 stars). 2 submissions from 2 submitters: Uncertain significance (2). Last evaluated 2025-04-02.

Conditions:
Intellectual developmental disorder, X-linked, syndromic 14. Also called: Syndromic X-linked intellectual disability 14. Identifiers: Orphanet 776, MedGen C1970822, MONDO:0010398, OMIM 300676.

Submissions (2):

GeneDx
Classification: Uncertain significance. Last evaluated: 2025-04-02. Review status: criteria provided, single submitter. Criteria: GeneDx Variant Classification Process June 2021. Collection method: clinical testing. Allele origin: germline. Affected: yes.
Comment: Not observed at significant frequency in large population cohorts (gnomAD); In silico analysis indicates that this missense variant does not alter protein structure/function; Has not been previously published as pathogenic or benign to our knowledge

Labcorp Genetics (formerly Invitae), Labcorp
Classification: Uncertain significance for Intellectual developmental disorder, X-linked, syndromic 14. Last evaluated: 2025-01-01. Review status: criteria provided, single submitter. Criteria: Invitae Variant Classification Sherloc (09022015). Collection method: clinical testing. Allele origin: germline.
Comment: This sequence change replaces methionine, which is neutral and non-polar, with isoleucine, which is neutral and non-polar, at codon 439 of the UPF3B protein (p.Met439Ile). This variant is not present in population databases (gnomAD no frequency). This variant has not been reported in the literature in individuals affected with UPF3B-related conditions. Invitae Evidence Modeling of protein sequence and biophysical properties (such as structural, functional, and spatial information, amino acid conservation, physicochemical variation, residue mobility, and thermodynamic stability) indicates that this missense variant is not expected to disrupt UPF3B protein function with a negative predictive value of 80%. In summary, the available evidence is currently insufficient to determine the role of this variant in disease. Therefore, it has been classified as a Variant of Uncertain Significance.